The following is an entry in ClinVar:

ClinVar aggregate classification (germline): Uncertain significance (1 of 4 stars; one submission).

Conditions:
Charcot-Marie-Tooth disease type 2. Also called: Charcot-Marie-Tooth type 2. Identifiers: Orphanet 64746, MedGen C0270914, MONDO:0018993.

Submissions (2):

Labcorp Genetics (formerly Invitae), Labcorp
Classification: Uncertain significance for Charcot-Marie-Tooth disease type 2. Last evaluated: 2022-10-26. Review status: criteria provided, single submitter. Criteria: Invitae Variant Classification Sherloc (09022015). Collection method: clinical testing. Allele origin: germline.
Comment: In summary, the available evidence is currently insufficient to determine the role of this variant in disease. Therefore, it has been classified as a Variant of Uncertain Significance. Algorithms developed to predict the effect of sequence changes on RNA splicing suggest that this variant may create or strengthen a splice site. Advanced modeling of protein sequence and biophysical properties (such as structural, functional, and spatial information, amino acid conservation, physicochemical variation, residue mobility, and thermodynamic stability) performed at Invitae indicates that this missense variant is expected to disrupt LMNA protein function. This variant has not been reported in the literature in individuals affected with LMNA-related conditions. This variant is not present in population databases (gnomAD no frequency). This sequence change replaces alanine, which is neutral and non-polar, with valine, which is neutral and non-polar, at codon 350 of the LMNA protein (p.Ala350Val).

Dr. Peter K. Rogan Lab, Western University
No classification provided (evidence only). Condition: Melanoma. Review status: no classification provided. Collection method: in vitro. Allele origin: not applicable. Functional consequence: retained intron. Not counted in ClinVar's aggregate classification.

NM_170707.4(LMNA):c.1049C>T (p.Ala350Val)

Gene: LMNA (lamin A/C; plus strand). Cytogenetic location: 1q22.
Variant type: single nucleotide variant.
Coding change: c.1049C>T on transcript NM_170707.4 (MANE Select); coding-DNA position 1049, C replaced by T.
Protein change: p.Ala350Val; replaces alanine 350 with valine.
Molecular consequence: missense variant.
Genome position (GRCh38, 1-based): chr1:156,136,013, C>T. VCF-style: chr1-156136013-C-T. GRCh37 (hg19) VCF-style: chr1-156105804-C-T.
Other names: c.1049C>T, p.Ala350Val (NM_005572.4, NM_170708.4, NM_001282625.2 and 6 more transcripts); c.713C>T, p.Ala238Val (NM_001257374.3, NM_001406989.1, NM_001406998.1); c.806C>T, p.Ala269Val (NM_001282624.2, NM_001406986.1, NM_001406987.1); c.752C>T, p.Ala251Val (NM_001406988.1); c.491C>T, p.Ala164Val (NM_001406990.1, NM_001406993.1, NM_001406995.1 and 4 more transcripts); c.425C>T, p.Ala142Val (NM_001406994.1, NM_001406999.1, NM_001407000.1 and 1 more transcripts); short protein forms A142V, A164V, A238V, A251V, A269V, A350V.
Identifiers: ClinVar variation 1722182 (VCV001722182.6), dbSNP rs2527991608, ClinGen allele CA342820270.